The following is an entry in ClinVar:

Conditions:
Breast-ovarian cancer, familial, susceptibility to, 1 (BROVCA1). Also called: BRCA1 Hereditary Breast and Ovarian Cancer; OVARIAN CANCER, SUSCEPTIBILITY TO. Identifiers: Orphanet 145, MedGen C2676676, MONDO:0011450, OMIM 604370. Disease mechanism: loss of function.

Submission:

Brotman Baty Institute, University of Washington
No classification provided (evidence only). Condition: Breast-ovarian cancer, familial 1. Review status: no classification provided. Collection method: in vitro. Allele origin: not applicable. Functional consequence: function_uncertain_variant.
ClinVar note: "not provided" was previously submitted as the classification for the variant. However, the classification appeared to be based only on an observation of functional data so it was converted to no classification on 2025-07-30.

NM_007294.4(BRCA1):c.4982A>G (p.Glu1661Gly)

Gene: BRCA1 (BRCA1 DNA repair associated; minus strand). Cytogenetic location: 17q21.31.
Variant type: single nucleotide variant.
Coding change: c.4982A>G on transcript NM_007294.4 (MANE Select); coding-DNA position 4982, A replaced by G.
Protein change: p.Glu1661Gly; replaces glutamic acid 1661 with glycine.
Molecular consequence: missense variant. On other transcripts: non-coding transcript variant (1).
Genome position (GRCh38, 1-based): chr17:43,070,932, T>C on the plus strand (A>G on the coding strand, the complement: BRCA1 is on the minus strand). VCF-style: chr17-43070932-T-C. GRCh37 (hg19) VCF-style: chr17-41222949-T-C.
Other names: c.1592A>G, p.Glu531Gly (NM_001408412.1, NM_001408413.1, NM_001408414.1 and 2 more transcripts); c.1553A>G, p.Glu518Gly (NM_001408424.1, NM_001408421.1, NM_001408422.1 and 1 more transcripts); c.1550A>G, p.Glu517Gly (NM_001408425.1, NM_001408426.1, NM_001408427.1 and 4 more transcripts); c.1547A>G, p.Glu516Gly (NM_001408432.1, NM_001408443.1, NM_001408444.1 and 10 more transcripts); c.1544A>G, p.Glu515Gly (NM_001408445.1, NM_001408446.1, NM_001408447.1 and 2 more transcripts); c.1538A>G, p.Glu513Gly (NM_001408451.1); c.1532A>G, p.Glu511Gly (NM_001408452.1, NM_001408453.1, NM_001408454.1 and 3 more transcripts); c.1529A>G, p.Glu510Gly (NM_001408463.1, NM_001408464.1, NM_001408465.1 and 7 more transcripts); and 70 more; short protein forms E1661G, E1614G, E1682G, E557G, E1571G, E1572G, E1618G, E1634G.
Identifiers: ClinVar variation 868890 (VCV000868890.3), dbSNP rs2052355093, ClinGen allele CA10591561.
Genomic context (GRCh38, chr17:43,070,932, plus strand): 5'-TTTCCAGAATGTTGTTAAGTCTTAGTCATTAGGGAGATACATATGGATACACTCACAAAT[T>C]CTTCTGGGGTCAGGCCAGACACCACCATGGACATTCTTTTGTTGACCCTTTCTGTTGAAG-3'
Protein context (NP_009225.1, residues 1651-1671): SMVVSGLTPE[Glu1661Gly]FMLVYKFARK